The following is an entry in ClinVar:

NM_014321.4(ORC6):c.653T>G (p.Met218Arg)

Gene: ORC6 (origin recognition complex subunit 6; plus strand). Cytogenetic location: 16q11.2.
Variant type: single nucleotide variant.
Coding change: c.653T>G on transcript NM_014321.4 (MANE Select); coding-DNA position 653, T replaced by G.
Protein change: p.Met218Arg; replaces methionine 218 with arginine.
Molecular consequence: missense variant. On other transcripts: non-coding transcript variant (1).
Genome position (GRCh38, 1-based): chr16:46,697,479, T>G. VCF-style: chr16-46697479-T-G. GRCh37 (hg19) VCF-style: chr16-46731391-T-G.
Other names: c.653T>G (NM_014321.3); short protein forms M218R.
Identifiers: ClinVar variation 1895982 (VCV001895982.6), dbSNP rs757560276, ClinGen allele CA8037468.
Genomic context (GRCh38, chr16:46,697,479, plus strand): 5'-CTAAGAATTTTGAAATTGCTTTTGATAATTTTCTGTCAGAAATGGAGAAGGTAGAGGAGA[T>G]GCCACATAAACCACAGAAAGATGAAGATCTGACACAGGATTATGAAGAATGGAAAAGAAA-3'
Protein context (NP_055136.1, residues 208-228): PAKEMEKVEE[Met218Arg]PHKPQKDEDL

ClinVar aggregate classification (germline): Uncertain significance. Review status: criteria provided, multiple submitters, no conflicts (2 of 4 stars). 2 submissions from 2 submitters: Uncertain significance (2). Last evaluated 2025-03-05.

Conditions:
Inborn genetic diseases. Identifiers: MedGen C0950123, MeSH D030342.

Allele frequency attached by ClinVar (database versions not stated): ExAC 0.00001; gnomAD exomes 0.00001; TOPMed 0.00002.
gnomAD v4.1: 3 of 1,613,596 alleles (0.00019%); highest among the groups gnomAD compares: Admixed American, 0.005%; no homozygotes.

Submissions (2):

Ambry Genetics
Classification: Uncertain significance for Inborn genetic diseases. Last evaluated: 2025-03-05. Review status: criteria provided, single submitter. Criteria: Ambry Variant Classification Scheme 2023. Collection method: clinical testing. Allele origin: germline.

Labcorp Genetics (formerly Invitae), Labcorp
Classification: Uncertain significance. Last evaluated: 2022-08-19. Review status: criteria provided, single submitter. Criteria: Invitae Variant Classification Sherloc (09022015). Collection method: clinical testing. Allele origin: germline.
Comment: This sequence change replaces methionine, which is neutral and non-polar, with arginine, which is basic and polar, at codon 218 of the ORC6 protein (p.Met218Arg). This variant is present in population databases (rs757560276, gnomAD 0.009%). This variant has not been reported in the literature in individuals affected with ORC6-related conditions. Algorithms developed to predict the effect of missense changes on protein structure and function (SIFT, PolyPhen-2, Align-GVGD) all suggest that this variant is likely to be tolerated. In summary, the available evidence is currently insufficient to determine the role of this variant in disease. Therefore, it has been classified as a Variant of Uncertain Significance.